The following is an entry in ClinVar:

NM_004415.4(DSP):c.5375T>A (p.Leu1792Ter)

Gene: DSP (desmoplakin; plus strand). Cytogenetic location: 6p24.3.
Variant type: single nucleotide variant.
Coding change: c.5375T>A on transcript NM_004415.4 (MANE Select); coding-DNA position 5375, T replaced by A.
Protein change: p.Leu1792Ter; replaces leucine 1792 with a stop codon.
Molecular consequence: nonsense. On other transcripts: intron variant (2).
Genome position (GRCh38, 1-based): chr6:7,581,565, T>A. VCF-style: chr6-7581565-T-A. GRCh37 (hg19) VCF-style: chr6-7581798-T-A.
Other names: c.4051-1077T>A (NM_001319034.2); c.3583-1077T>A (NM_001008844.3); short protein forms L1792*.
Identifiers: ClinVar variation 3757429 (VCV003757429.2).

ClinVar aggregate classification (germline): Pathogenic (1 of 4 stars; one submission).

Conditions:
Arrhythmogenic right ventricular dysplasia 8 (ARVD8). Also called: Arrhythmogenic Right Ventricular Dysplasia/Cardiomyopathy 8; ARRHYTHMOGENIC RIGHT VENTRICULAR DYSPLASIA, FAMILIAL, 8; ARRHYTHMOGENIC RIGHT VENTRICULAR CARDIOMYOPATHY 8. Identifiers: MedGen C1843896, MONDO:0011831, OMIM 607450.
Arrhythmogenic cardiomyopathy with wooly hair and keratoderma. Also called: PALMOPLANTAR KERATODERMA WITH LEFT VENTRICULAR CARDIOMYOPATHY AND WOOLLY HAIR; Carvajal syndrome; Dilated cardiomyopathy with woolly hair and keratoderma; Arrhythmogenic cardiomyopathy with woolly hair and keratoderma. Identifiers: Orphanet 65282, MedGen C1854063, MONDO:0011581, OMIM 605676.

Submission:

Labcorp Genetics (formerly Invitae), Labcorp
Classification: Pathogenic for Arrhythmogenic cardiomyopathy with wooly hair and keratoderma; Arrhythmogenic right ventricular dysplasia 8. Last evaluated: 2024-07-27. Review status: criteria provided, single submitter. Criteria: Invitae Variant Classification Sherloc (09022015). Collection method: clinical testing. Allele origin: germline.
Comment: This sequence change creates a premature translational stop signal (p.Leu1792*) in the DSP gene. While this is not anticipated to result in nonsense mediated decay, it is expected to disrupt the last 1080 amino acid(s) of the DSP protein. This variant is not present in population databases (gnomAD no frequency). This variant has not been reported in the literature in individuals affected with DSP-related conditions. This variant disrupts a region of the DSP protein in which other variant(s) (p.Gln2730Serfs*16) have been determined to be pathogenic (PMID: 27532257, 28527814, 36580316; Invitae). This suggests that this is a clinically significant region of the protein, and that variants that disrupt it are likely to be disease-causing. For these reasons, this variant has been classified as Pathogenic.

Literature cited by the submitters: PubMed 27532257; PubMed 28527814; PubMed 36580316.